The following is an entry in ClinVar:

NM_002454.3(MTRR):c.1446G>C (p.Glu482Asp)

Gene: MTRR (5-methyltetrahydrofolate-homocysteine methyltransferase reductase; plus strand). Cytogenetic location: 5p15.31.
Variant type: single nucleotide variant.
Coding change: c.1446G>C on transcript NM_002454.3 (MANE Select); coding-DNA position 1446, G replaced by C.
Protein change: p.Glu482Asp; replaces glutamic acid 482 with aspartic acid.
Molecular consequence: missense variant. On other transcripts: non-coding transcript variant (14).
Genome position (GRCh38, 1-based): chr5:7,892,802, G>C. VCF-style: chr5-7892802-G-C. GRCh37 (hg19) VCF-style: chr5-7892915-G-C.
Other names: c.1446G>C, p.Glu482Asp (NM_001364440.2, NM_001364441.2, NM_001364442.2 and 1 more transcripts); short protein forms E482D.
Identifiers: ClinVar variation 1361020 (VCV001361020.6), dbSNP rs2126793498, ClinGen allele CA359158941.
Genomic context (GRCh38, chr5:7,892,802, plus strand): 5'-CCCAGGAAAGCTCCATTTTGTCTTCAACATTGTGGAATTTCTGTCTACTGCCACAACAGA[G>C]GTTCTGCGGAAGGGAGTATGTACAGGCTGGCTGGCCTTGTTGGTTGCTTCAGTTCTTCAG-3'
Protein context (NP_002445.2, residues 472-492): IVEFLSTATT[Glu482Asp]VLRKGVCTGW

ClinVar aggregate classification (germline): Uncertain significance (1 of 4 stars; one submission).

Conditions:
Methylcobalamin deficiency type cblE (HMAE). Also called: HOMOCYSTINURIA-MEGALOBLASTIC ANEMIA, cblE COMPLEMENTATION TYPE; HOMOCYSTINURIA-MEGALOBLASTIC ANEMIA, cblE TYPE; VITAMIN B12-RESPONSIVE HOMOCYSTINURIA, cblE TYPE. Identifiers: Orphanet 2169, Orphanet 622, MedGen C1856057, MONDO:0009354, OMIM 236270.

gnomAD v4.1: 1 of 1,614,216 alleles (0.000062%); no homozygotes.

Submission:

Labcorp Genetics (formerly Invitae), Labcorp
Classification: Uncertain significance for Methylcobalamin deficiency type cblE. Last evaluated: 2021-11-09. Review status: criteria provided, single submitter. Criteria: Invitae Variant Classification Sherloc (09022015). Collection method: clinical testing. Allele origin: germline.
Comment: This sequence change replaces glutamic acid, which is acidic and polar, with aspartic acid, which is acidic and polar, at codon 482 of the MTRR protein (p.Glu482Asp). In summary, the available evidence is currently insufficient to determine the role of this variant in disease. Therefore, it has been classified as a Variant of Uncertain Significance. Algorithms developed to predict the effect of missense changes on protein structure and function (SIFT, PolyPhen-2, Align-GVGD) all suggest that this variant is likely to be tolerated. This variant has not been reported in the literature in individuals affected with MTRR-related conditions. This variant is not present in population databases (gnomAD no frequency).